The following is an entry in ClinVar:

ClinVar aggregate classification (germline): Uncertain significance (1 of 4 stars; one submission).

Allele frequency attached by ClinVar (database versions not stated): gnomAD exomes below 0.00001; ExAC 0.00001; gnomAD 0.00001; TOPMed 0.00001; ESP Exome Variant Server 0.00008.
gnomAD v4.1: 6 of 1,612,950 alleles (0.00037%); highest among the groups gnomAD compares: South Asian, 0.0011%; no homozygotes.

Submission:

Labcorp Genetics (formerly Invitae), Labcorp
Classification: Uncertain significance. Last evaluated: 2023-10-13. Review status: criteria provided, single submitter. Criteria: Invitae Variant Classification Sherloc (09022015). Collection method: clinical testing. Allele origin: germline.
Comment: This sequence change falls in intron 5 of the TUBG1 gene. It does not directly change the encoded amino acid sequence of the TUBG1 protein. This variant is present in population databases (rs375670114, gnomAD 0.0009%). This variant has not been reported in the literature in individuals affected with TUBG1-related conditions. Algorithms developed to predict the effect of sequence changes on RNA splicing suggest that this variant may disrupt the consensus splice site. In summary, the available evidence is currently insufficient to determine the role of this variant in disease. Therefore, it has been classified as a Variant of Uncertain Significance.

NM_001070.5(TUBG1):c.480-11A>G

Gene: TUBG1 (tubulin gamma 1; plus strand). Cytogenetic location: 17q21.2.
Variant type: single nucleotide variant.
Coding change: c.480-11A>G on transcript NM_001070.5 (MANE Select); 11 bases into the intron before coding-DNA position 480, A replaced by G.
Molecular consequence: intron variant.
Genome position (GRCh38, 1-based): chr17:42,612,936, A>G. VCF-style: chr17-42612936-A-G. GRCh37 (hg19) VCF-style: chr17-40764954-A-G.
Identifiers: ClinVar variation 2961445 (VCV002961445.3), dbSNP rs375670114, ClinGen allele CA8579891.